The following is an entry in ClinVar:

ClinVar aggregate classification (germline): Conflicting classifications of pathogenicity. Review status: criteria provided, conflicting classifications (1 of 4 stars). 10 submissions from 8 submitters: Uncertain significance (2); Benign (1); Likely benign (5). 2 of the submissions do not count toward it. Last evaluated 2026-01-20.

Conditions:
Usher syndrome type 1 (USH1). Also called: RETINITIS PIGMENTOSA AND CONGENITAL DEAFNESS. Identifiers: Orphanet 231169, Orphanet 886, MedGen C1568247, MONDO:0010168, OMIM 276900.
Autosomal recessive nonsyndromic hearing loss 2. Also called: DEAFNESS, AUTOSOMAL RECESSIVE 2; NEUROSENSORY NONSYNDROMIC RECESSIVE DEAFNESS 2. Identifiers: Orphanet 90636, MedGen C1838701, MONDO:0010807, OMIM 600060.
Autosomal dominant nonsyndromic hearing loss 11. Identifiers: Orphanet 90635, MedGen C1832475, MONDO:0011032, OMIM 601317.

Allele frequency attached by ClinVar (database versions not stated): TOPMed 0.00020; gnomAD 0.00023 and 0.00028; gnomAD exomes 0.00040 and 0.00013; ExAC 0.00041; 1000 Genomes Project 30x 0.00125; 1000 Genomes Project 0.00160.
gnomAD v4.1: 245 of 1,613,988 alleles (0.015%); highest among the groups gnomAD compares: East Asian, 0.28%; no homozygotes.

Submissions (10):

Labcorp Genetics (formerly Invitae), Labcorp
Classification: Benign. Last evaluated: 2026-01-20. Review status: criteria provided, single submitter. Criteria: Invitae Variant Classification Sherloc (09022015). Collection method: clinical testing. Allele origin: germline.

CeGaT Center for Human Genetics Tuebingen
Classification: Likely benign. Last evaluated: 2025-03-01. Review status: criteria provided, single submitter. Criteria: CeGaT Center For Human Genetics Tuebingen Variant Classification Criteria Version 2. Collection method: clinical testing. Allele origin: germline. Affected: yes. Observed: 1 variant allele.
Comment: MYO7A: BP4, BP7

Blueprint Genetics
Classification: Likely benign. Last evaluated: 2024-10-02. Review status: criteria provided, single submitter. Criteria: ACMG Guidelines, 2015. Collection method: clinical testing. Allele origin: germline.

GeneDx
Classification: Likely benign. Last evaluated: 2020-01-07. Review status: criteria provided, single submitter. Criteria: GeneDx Variant Classification Process June 2021. Collection method: clinical testing. Allele origin: germline. Affected: yes.

Illumina Laboratory Services, Illumina
Classification: Likely benign for Autosomal dominant nonsyndromic hearing loss 11. Last evaluated: 2018-01-12. Review status: criteria provided, single submitter. Criteria: ICSL Variant Classification Criteria 13 December 2019. Collection method: clinical testing. Allele origin: germline.
Comment: This variant was observed in the ICSL laboratory as part of a predisposition screen in an ostensibly healthy population. It had not been previously curated by ICSL or reported in the Human Gene Mutation Database (HGMD: prior to June 1st, 2018), and was therefore a candidate for classification through an automated scoring system. Utilizing variant allele frequency, disease prevalence and penetrance estimates, and inheritance mode, an automated score was calculated to assess if this variant is too frequent to cause the disease. Based on the score and internal cut-off values, a variant classified as likely benign is not then subjected to further curation. The score for this variant resulted in a classification of likely benign for this disease.

Illumina Laboratory Services, Illumina
Classification: Uncertain significance for Autosomal recessive nonsyndromic hearing loss 2. Last evaluated: 2018-01-12. Review status: criteria provided, single submitter. Criteria: ICSL Variant Classification Criteria 13 December 2019. Collection method: clinical testing. Allele origin: germline.

Illumina Laboratory Services, Illumina
Classification: Uncertain significance for Usher syndrome type 1. Last evaluated: 2018-01-12. Review status: criteria provided, single submitter. Criteria: ICSL Variant Classification Criteria 13 December 2019. Collection method: clinical testing. Allele origin: germline.

Laboratory for Molecular Medicine, Mass General Brigham Personalized Medicine
Classification: Likely benign. Last evaluated: 2014-06-27. Review status: criteria provided, single submitter. Criteria: LMM Criteria. Collection method: clinical testing. Allele origin: germline. Observed: 1 variant allele.
Comment: Leu172Leu in exon 6 of MYO7A: This variant is not expected to have clinical sig nificance because it does not alter an amino acid residue and is not located wit hin the splice consensus sequence.

Clinical Genetics DNA and cytogenetics Diagnostics Lab, Erasmus MC, Erasmus Medical Center
Classification: Likely benign. Review status: no assertion criteria provided. Collection method: clinical testing. Allele origin: germline. Affected: yes. Study: VKGL Data-share Consensus. Not counted in ClinVar's aggregate classification.

Clinical Genetics, Academic Medical Center
Classification: Benign. Review status: no assertion criteria provided. Collection method: clinical testing. Allele origin: germline. Affected: yes. Study: VKGL Data-share Consensus. Not counted in ClinVar's aggregate classification.

NM_000260.4(MYO7A):c.514C>T (p.Leu172=)

Gene: MYO7A (myosin VIIA; plus strand). Cytogenetic location: 11q13.5.
Variant type: single nucleotide variant.
Coding change: c.514C>T on transcript NM_000260.4 (MANE Select); coding-DNA position 514, C replaced by T.
Protein change: p.Leu172=; no amino-acid change (leucine 172 retained).
Molecular consequence: synonymous variant.
Genome position (GRCh38, 1-based): chr11:77,156,703, C>T. VCF-style: chr11-77156703-C-T. GRCh37 (hg19) VCF-style: chr11-76867749-C-T.
Other names: c.514C>T, p.Leu172= (NM_001127180.2); c.481C>T, p.Leu161= (NM_001369365.1).
Identifiers: ClinVar variation 179841 (VCV000179841.32), dbSNP rs368246776, ClinGen allele CA185247.